The following is an entry in ClinVar:

NM_000376.3(VDR):c.1257C>G (p.Leu419=)

Gene: VDR (vitamin D receptor; minus strand). Cytogenetic location: 12q13.11.
Variant type: single nucleotide variant.
Coding change: c.1257C>G on transcript NM_000376.3 (MANE Select); coding-DNA position 1257, C replaced by G.
Protein change: p.Leu419=; no amino-acid change (leucine 419 retained).
Molecular consequence: synonymous variant.
Genome position (GRCh38, 1-based): chr12:47,844,773, G>C on the plus strand (C>G on the coding strand, the complement: VDR is on the minus strand). VCF-style: chr12-47844773-G-C. GRCh37 (hg19) VCF-style: chr12-48238556-G-C.
Other names: c.1257C>G (NM_001017535.1); c.1257C>G, p.Leu419= (NM_001017535.2, NM_001364085.2, NM_001374661.1 and 1 more transcripts); c.1407C>G, p.Leu469= (NM_001017536.2).
Identifiers: ClinVar variation 1080684 (VCV001080684.11), dbSNP rs550308645, ClinGen allele CA479696442.

ClinVar aggregate classification (germline): Likely benign. Review status: criteria provided, single submitter (1 of 4 stars). 2 submissions from 2 submitters: Likely benign (1). 1 of the submissions does not count toward it. Last evaluated 2025-12-15.

Conditions:
VDR-related disorder. Also called: VDR-related condition.

gnomAD v4.1: 21 of 1,614,068 alleles (0.0013%); highest among the groups gnomAD compares: African/African-American, 0.02%; no homozygotes.

Submissions (2):

Labcorp Genetics (formerly Invitae), Labcorp
Classification: Likely benign. Last evaluated: 2025-12-15. Review status: criteria provided, single submitter. Criteria: Invitae Variant Classification Sherloc (09022015). Collection method: clinical testing. Allele origin: germline.

PreventionGenetics, part of Exact Sciences
Classification: Likely benign for VDR-related condition. Last evaluated: 2019-08-07. Review status: no assertion criteria provided. Collection method: clinical testing. Allele origin: germline. Not counted in ClinVar's aggregate classification.
Comment: This variant is classified as likely benign based on ACMG/AMP sequence variant interpretation guidelines (Richards et al. 2015 PMID: 25741868, with internal and published modifications).